The following is an entry in ClinVar:

NM_002397.5(MEF2C):c.456C>T (p.His152=)

Gene: MEF2C (myocyte enhancer factor 2C; minus strand). Cytogenetic location: 5q14.3.
Variant type: single nucleotide variant.
Coding change: c.456C>T on transcript NM_002397.5 (MANE Select); coding-DNA position 456, C replaced by T.
Protein change: p.His152=; no amino-acid change (histidine 152 retained).
Molecular consequence: synonymous variant.
Genome position (GRCh38, 1-based): chr5:88,751,990, G>A on the plus strand (C>T on the coding strand, the complement: MEF2C is on the minus strand). VCF-style: chr5-88751990-G-A. GRCh37 (hg19) VCF-style: chr5-88047807-G-A.
Other names: c.450C>T, p.His150= (NM_001131005.2, NM_001364343.2, NM_001364352.2); c.510C>T, p.His170= (NM_001193347.1, NM_001364338.2); c.312C>T, p.His104= (NM_001193348.1, NM_001193349.3, NM_001364332.2 and 3 more transcripts); c.456C>T, p.His152= (NM_001193350.2, NM_001308002.3, NM_001363581.2 and 18 more transcripts); c.78C>T, p.His26= (NM_001364353.2, NM_001364356.2); c.30C>T, p.His10= (NM_001364357.2).
Identifiers: ClinVar variation 516194 (VCV000516194.4), dbSNP rs1554112204, ClinGen allele CA445371282.
Genomic context (GRCh38, chr5:88,751,990, plus strand): 5'-CAGTGGCAATAGGTTGGGGTTTCCCAGTGAGCTGACAGGGTTGCTGTACACCAAACTGTT[G>A]TGGCTGGACACTGGGATGGAGACTGGCATCTCGAAGTTGGGAGGTGGAACAGCCTGCAGG-3'
Protein context (NP_002388.2, residues 142-162): EMPVSIPVSS[His152=]NSLVYSNPVS

ClinVar aggregate classification (germline): Likely benign. Review status: criteria provided, multiple submitters, no conflicts (2 of 4 stars). 2 submissions from 2 submitters: Likely benign (2). Last evaluated 2024-10-09.

Conditions:
Neurodevelopmental disorder with hypotonia, stereotypic hand movements, and impaired language. Also called: Intellectual disability, autosomal dominant 20. Identifiers: Orphanet 228384, Orphanet 664410, MedGen C3150700, MONDO:0013266, OMIM 613443.

Allele frequency attached by ClinVar (database versions not stated): gnomAD exomes below 0.00001.
gnomAD v4.1: 2 of 1,613,762 alleles (0.00012%); highest among the groups gnomAD compares: Non-Finnish European, 0.00017%; no homozygotes.

Submissions (2):

Labcorp Genetics (formerly Invitae), Labcorp
Classification: Likely benign for Neurodevelopmental disorder with hypotonia, stereotypic hand movements, and impaired language. Last evaluated: 2024-10-09. Review status: criteria provided, single submitter. Criteria: Invitae Variant Classification Sherloc (09022015). Collection method: clinical testing. Allele origin: germline.

GeneDx
Classification: Likely benign. Last evaluated: 2017-02-10. Review status: criteria provided, single submitter. Criteria: GeneDx Variant Classification (06012015). Collection method: clinical testing. Allele origin: germline. Affected: yes.
Comment: This variant is considered likely benign or benign based on one or more of the following criteria: it is a conservative change, it occurs at a poorly conserved position in the protein, it is predicted to be benign by multiple in silico algorithms, and/or has population frequency not consistent with disease.